The following is an entry in ClinVar:

NM_016816.4(OAS1):c.654+17A>T

Gene: OAS1 (2'-5'-oligoadenylate synthetase 1; plus strand). Cytogenetic location: 12q24.13.
Variant type: single nucleotide variant.
Coding change: c.654+17A>T on transcript NM_016816.4 (MANE Select); 17 bases into the intron after coding-DNA position 654, A replaced by T.
Molecular consequence: intron variant. On other transcripts: synonymous variant (5), non-coding transcript variant (4).
Genome position (GRCh38, 1-based): chr12:112,911,252, A>T. VCF-style: chr12-112911252-A-T. GRCh37 (hg19) VCF-style: chr12-113349057-A-T.
Other names: c.624A>T, p.Pro208= (NM_001406020.1, NM_001406021.1, NM_001406023.1 and 2 more transcripts); c.654+17A>T (NM_001320151.2, NM_001406022.1, NM_001032409.3 and 1 more transcripts); c.180+4033A>T (NM_001406030.1, NM_001406029.1, NM_001406027.1 and 1 more transcripts).
Identifiers: ClinVar variation 2643345 (VCV002643345.24), dbSNP rs2540956178, ClinGen allele CA2575299993.

ClinVar aggregate classification (germline): Likely benign (1 of 4 stars; one submission).

Submission:

CeGaT Center for Human Genetics Tuebingen
Classification: Likely benign. Last evaluated: 2022-11-01. Review status: criteria provided, single submitter. Criteria: CeGaT Center For Human Genetics Tuebingen Variant Classification Criteria Version 2. Collection method: clinical testing. Allele origin: germline. Affected: yes. Observed: 1 variant allele.
Comment: OAS1: BP4, BP7